The following is an entry in ClinVar:

NM_001367624.2(ZNF469):c.5744G>A (p.Ser1915Asn)

Gene: ZNF469 (zinc finger protein 469; plus strand). Cytogenetic location: 16q24.2.
Variant type: single nucleotide variant.
Coding change: c.5744G>A on transcript NM_001367624.2 (MANE Select); coding-DNA position 5744, G replaced by A.
Protein change: p.Ser1915Asn; replaces serine 1915 with asparagine.
Molecular consequence: missense variant.
Genome position (GRCh38, 1-based): chr16:88,433,214, G>A. VCF-style: chr16-88433214-G-A. GRCh37 (hg19) VCF-style: chr16-88499622-G-A.
Other names: NM_001127464.1:c.5660G>A; short protein forms S1915N.
Identifiers: ClinVar variation 1748922 (VCV001748922.2), dbSNP rs1567513605, ClinGen allele CA397102105.

ClinVar aggregate classification (germline): Uncertain significance (1 of 4 stars; one submission).

Conditions:
Cardiovascular phenotype. Identifiers: MedGen CN230736.

Allele frequency attached by ClinVar (database versions not stated): gnomAD exomes below 0.00001.
gnomAD v4.1: 2 of 1,550,286 alleles (0.00013%); highest among the groups gnomAD compares: Non-Finnish European, 0.00017%; no homozygotes.

Submission:

Ambry Genetics
Classification: Uncertain significance for Cardiovascular phenotype. Last evaluated: 2021-04-27. Review status: criteria provided, single submitter. Criteria: Ambry Variant Classification Scheme 2023. Collection method: clinical testing. Allele origin: germline.
Comment: The p.S1887N variant (also known as c.5660G>A), located in coding exon 2 of the ZNF469 gene, results from a G to A substitution at nucleotide position 5660. The serine at codon 1887 is replaced by asparagine, an amino acid with highly similar properties. This amino acid position is poorly conserved in available vertebrate species. In addition, this alteration is predicted to be tolerated by in silico analysis. Since supporting evidence is limited at this time, the clinical significance of this alteration remains unclear.